The following is an entry in ClinVar:

ClinVar aggregate classification (germline): Conflicting classifications of pathogenicity. Review status: criteria provided, conflicting classifications (1 of 4 stars). 3 submissions from 3 submitters: Likely pathogenic (1); Uncertain significance (1). 1 of the submissions does not count toward it. Last evaluated 2020-02-02.

Conditions:
Siddiqi syndrome. Also called: DEAFNESS, DYSTONIA, DEVELOPMENTAL DELAY, AND POOR GROWTH. Identifiers: MedGen C5231435, MONDO:0032842, OMIM 618635.

Allele frequency attached by ClinVar (database versions not stated): gnomAD exomes 0.00001; ExAC 0.00001; TOPMed 0.00002; gnomAD 0.00001.
gnomAD v4.1: 10 of 1,613,992 alleles (0.00062%); highest among the groups gnomAD compares: Middle Eastern, 0.033%; no homozygotes.

Submissions (3):

GeneDx
Classification: Uncertain significance. Last evaluated: 2020-02-02. Review status: criteria provided, single submitter. Criteria: GeneDx Variant Classification Process June 2021. Collection method: clinical testing. Allele origin: germline. Affected: yes.
Comment: In silico analysis supports that this missense variant does not alter protein structure/function; This variant is associated with the following publications: (PMID: 30288795, 33098801)

Institute of Human Genetics Munich, TUM University Hospital
Classification: Likely pathogenic for Siddiqi syndrome. Last evaluated: 2019-02-14. Review status: criteria provided, single submitter. Criteria: Classification criteria August 2017. Collection method: clinical testing. Allele origin: inherited. Inheritance: Autosomal recessive inheritance. Affected: yes. Observed: 1 homozygote.

OMIM
Classification: Pathogenic for SIDDIQI SYNDROME. Last evaluated: 2019-10-24. Review status: no assertion criteria provided. Collection method: literature only. Allele origin: germline. Not counted in ClinVar's aggregate classification.

Literature cited by the submitters: PubMed 30288795 (cited by Institute of Human Genetics Munich, TUM University Hospital and OMIM).

NM_001080472.4(FITM2):c.694G>A (p.Gly232Arg)

Gene: FITM2 (fat storage inducing transmembrane protein 2; minus strand). Cytogenetic location: 20q13.12.
Variant type: single nucleotide variant.
Coding change: c.694G>A on transcript NM_001080472.4 (MANE Select); coding-DNA position 694, G replaced by A.
Protein change: p.Gly232Arg; replaces glycine 232 with arginine.
Molecular consequence: missense variant.
Genome position (GRCh38, 1-based): chr20:44,306,720, C>T on the plus strand (G>A on the coding strand, the complement: FITM2 is on the minus strand). VCF-style: chr20-44306720-C-T. GRCh37 (hg19) VCF-style: chr20-42935360-C-T.
Other names: short protein forms G232R.
Identifiers: ClinVar variation 692232 (VCV000692232.7), dbSNP rs765281145, ClinGen allele CA9869553.